The following is an entry in ClinVar:

NM_001261826.3(AP3D1):c.1366G>A (p.Val456Met)

Gene: AP3D1 (adaptor related protein complex 3 subunit delta 1; minus strand). Cytogenetic location: 19p13.3.
Variant type: single nucleotide variant.
Coding change: c.1366G>A on transcript NM_001261826.3 (MANE Select); coding-DNA position 1366, G replaced by A.
Protein change: p.Val456Met; replaces valine 456 with methionine.
Molecular consequence: missense variant.
Genome position (GRCh38, 1-based): chr19:2,120,977, C>T on the plus strand (G>A on the coding strand, the complement: AP3D1 is on the minus strand). VCF-style: chr19-2120977-C-T. GRCh37 (hg19) VCF-style: chr19-2120976-C-T.
Other names: c.1366G>A, p.Val456Met (NM_001374799.1, NM_003938.8); short protein forms V456M.
Identifiers: ClinVar variation 2087317 (VCV002087317.4), dbSNP rs747174455, ClinGen allele CA9059336.

ClinVar aggregate classification (germline): Uncertain significance (1 of 4 stars; one submission).

Allele frequency attached by ClinVar (database versions not stated): ExAC 0.00002; gnomAD exomes 0.00003; gnomAD 0.00001; TOPMed 0.00001.
gnomAD v4.1: 41 of 1,611,982 alleles (0.0025%); highest among the groups gnomAD compares: Admixed American, 0.005%; no homozygotes.

Submission:

Labcorp Genetics (formerly Invitae), Labcorp
Classification: Uncertain significance. Last evaluated: 2025-07-28. Review status: criteria provided, single submitter. Criteria: Invitae Variant Classification Sherloc (09022015). Collection method: clinical testing. Allele origin: germline.
Comment: This sequence change replaces valine, which is neutral and non-polar, with methionine, which is neutral and non-polar, at codon 456 of the AP3D1 protein (p.Val456Met). The frequency data for this variant in the population databases is considered unreliable, as metrics indicate poor data quality at this position in the gnomAD database. This variant has not been reported in the literature in individuals affected with AP3D1-related conditions. ClinVar contains an entry for this variant (Variation ID: 2087317). An algorithm developed to predict the effect of missense changes on protein structure and function (PolyPhen-2) suggests that this variant is likely to be disruptive. In summary, the available evidence is currently insufficient to determine the role of this variant in disease. Therefore, it has been classified as a Variant of Uncertain Significance.